The following is an entry in ClinVar:

NM_001130144.3(LTBP3):c.2481T>G (p.Ile827Met)

Gene: LTBP3 (latent transforming growth factor beta binding protein 3; minus strand). Cytogenetic location: 11q13.1.
Variant type: single nucleotide variant.
Coding change: c.2481T>G on transcript NM_001130144.3 (MANE Select); coding-DNA position 2481, T replaced by G.
Protein change: p.Ile827Met; replaces isoleucine 827 with methionine.
Molecular consequence: missense variant.
Genome position (GRCh38, 1-based): chr11:65,543,220, A>C on the plus strand (T>G on the coding strand, the complement: LTBP3 is on the minus strand). VCF-style: chr11-65543220-A-C. GRCh37 (hg19) VCF-style: chr11-65310691-A-C.
Other names: c.2130T>G, p.Ile710Met (NM_001164266.1); c.2481T>G, p.Ile827Met (NM_021070.4); short protein forms I710M, I827M.
Identifiers: ClinVar variation 2093065 (VCV002093065.4), dbSNP rs2496138544, ClinGen allele CA381269168.

ClinVar aggregate classification (germline): Uncertain significance (1 of 4 stars; one submission).

Conditions:
Brachyolmia-amelogenesis imperfecta syndrome. Also called: PLATYSPONDYLY WITH AMELOGENESIS IMPERFECTA; Tooth agenesis, selective, 6; Dental anomalies and short stature. Identifiers: Orphanet 2899, MedGen C1832594, MONDO:0011018, OMIM 601216. Disease mechanism: loss of function.

Submission:

Labcorp Genetics (formerly Invitae), Labcorp
Classification: Uncertain significance for Brachyolmia-amelogenesis imperfecta syndrome. Last evaluated: 2025-11-19. Review status: criteria provided, single submitter. Criteria: Invitae Variant Classification Sherloc (09022015). Collection method: clinical testing. Allele origin: germline.
Comment: This sequence change replaces isoleucine, which is neutral and non-polar, with methionine, which is neutral and non-polar, at codon 827 of the LTBP3 protein (p.Ile827Met). This variant is not present in population databases (gnomAD no frequency). This variant has not been reported in the literature in individuals affected with LTBP3-related conditions. ClinVar contains an entry for this variant (Variation ID: 2093065). An algorithm developed to predict the effect of missense changes on protein structure and function (PolyPhen-2) suggests that this variant is likely to be disruptive. In summary, the available evidence is currently insufficient to determine the role of this variant in disease. Therefore, it has been classified as a Variant of Uncertain Significance.